The following is an entry in ClinVar:

NM_013275.6(ANKRD11):c.2609G>A (p.Ser870Asn)

Gene: ANKRD11 (ankyrin repeat domain 11; minus strand). Cytogenetic location: 16q24.3.
Variant type: single nucleotide variant.
Coding change: c.2609G>A on transcript NM_013275.6 (MANE Select); coding-DNA position 2609, G replaced by A.
Protein change: p.Ser870Asn; replaces serine 870 with asparagine.
Molecular consequence: missense variant.
Genome position (GRCh38, 1-based): chr16:89,283,933, C>T on the plus strand (G>A on the coding strand, the complement: ANKRD11 is on the minus strand). VCF-style: chr16-89283933-C-T. GRCh37 (hg19) VCF-style: chr16-89350341-C-T.
Other names: c.2609G>A, p.Ser870Asn (NM_001256182.2, NM_001256183.2); c.2609G>A (NM_013275.4); short protein forms S870N.
Identifiers: ClinVar variation 1018264 (VCV001018264.15), dbSNP rs150964764, ClinGen allele CA8242553.
Genomic context (GRCh38, chr16:89,283,933, plus strand): 5'-CGCCTCCTCTCCTTGCTGTCCTCCTTCACCGTCTCCAAGATGAGCTTGGCCACAGAGTCG[C>T]TCTTCATGTCCCTGTAGTCTGTCACTGGCGAGTCCCAGCTGTCCTCCCCTTTGAAATCAA-3'
Protein context (NP_037407.4, residues 860-880): SPVTDYRDMK[Ser870Asn]DSVAKLILET

ClinVar aggregate classification (germline): Likely benign. Review status: criteria provided, multiple submitters, no conflicts (2 of 4 stars). 5 submissions from 5 submitters: Likely benign (4). 1 of the submissions does not count toward it. Last evaluated 2025-12-08.

Conditions:
Inborn genetic diseases. Identifiers: MedGen C0950123, MeSH D030342.
KBG syndrome (KBGS). Also called: ANKRD11-Related KBG Syndrome. Identifiers: Orphanet 2332, MedGen C0220687, MONDO:0007846, OMIM 148050.
ANKRD11-related disorder. Also called: ANKRD11-related condition.

Allele frequency attached by ClinVar (database versions not stated): gnomAD exomes 0.00005 and 0.00010; gnomAD 0.00006; ESP Exome Variant Server 0.00008; ExAC 0.00009; TOPMed 0.00011.
gnomAD v4.1: 82 of 1,614,078 alleles (0.0051%); highest among the groups gnomAD compares: Admixed American, 0.047%; no homozygotes.

Submissions (5):

Labcorp Genetics (formerly Invitae), Labcorp
Classification: Likely benign for KBG syndrome. Last evaluated: 2025-12-08. Review status: criteria provided, single submitter. Criteria: Invitae Variant Classification Sherloc (09022015). Collection method: clinical testing. Allele origin: germline.

Ambry Genetics
Classification: Likely benign for Inborn genetic diseases. Last evaluated: 2023-03-20. Review status: criteria provided, single submitter. Criteria: Ambry Variant Classification Scheme 2023. Collection method: clinical testing. Allele origin: germline.

GeneDx
Classification: Likely benign. Last evaluated: 2021-05-07. Review status: criteria provided, single submitter. Criteria: GeneDx Variant Classification Process June 2021. Collection method: clinical testing. Allele origin: germline. Affected: yes.

Blueprint Genetics
Classification: Likely benign. Last evaluated: 2020-02-06. Review status: criteria provided, single submitter. Criteria: ACMG Guidelines, 2015. Collection method: clinical testing. Allele origin: germline.

PreventionGenetics, part of Exact Sciences
Classification: Likely benign for ANKRD11-related condition. Last evaluated: 2022-09-07. Review status: no assertion criteria provided. Collection method: clinical testing. Allele origin: germline. Not counted in ClinVar's aggregate classification.
Comment: This variant is classified as likely benign based on ACMG/AMP sequence variant interpretation guidelines (Richards et al. 2015 PMID: 25741868, with internal and published modifications).